The following is an entry in ClinVar:

ClinVar aggregate classification (germline): Uncertain significance. Review status: criteria provided, multiple submitters, no conflicts (2 of 4 stars). 4 submissions from 4 submitters: Uncertain significance (4). Last evaluated 2025-06-16.

Conditions:
FANCM-related disorder. Also called: FANCM-related condition.
Inborn genetic diseases. Identifiers: MedGen C0950123, MeSH D030342.
Fanconi anemia (FA). Also called: Fanconi's anemia. Identifiers: Orphanet 84, MedGen C0015625, MeSH D005199, MONDO:0019391.

Allele frequency attached by ClinVar (database versions not stated): ExAC 0.00001.

Submissions (4):

Labcorp Genetics (formerly Invitae), Labcorp
Classification: Uncertain significance for Fanconi anemia. Last evaluated: 2025-06-16. Review status: criteria provided, single submitter. Criteria: Invitae Variant Classification Sherloc (09022015). Collection method: clinical testing. Allele origin: germline.
Comment: This sequence change replaces arginine, which is basic and polar, with glutamine, which is neutral and polar, at codon 405 of the FANCM protein (p.Arg405Gln). This variant is present in population databases (rs748757749, gnomAD 0.007%). This variant has not been reported in the literature in individuals affected with FANCM-related conditions. ClinVar contains an entry for this variant (Variation ID: 1979542). An algorithm developed to predict the effect of missense changes on protein structure and function (PolyPhen-2) suggests that this variant is likely to be tolerated. In summary, the available evidence is currently insufficient to determine the role of this variant in disease. Therefore, it has been classified as a Variant of Uncertain Significance.

PreventionGenetics, part of Exact Sciences
Classification: Uncertain significance for FANCM-related condition. Last evaluated: 2025-05-08. Review status: criteria provided, single submitter. Criteria: ACMG Guidelines, 2015. Collection method: clinical testing. Allele origin: germline.
Comment: The FANCM c.1214G>A variant is predicted to result in the amino acid substitution p.Arg405Gln. To our knowledge, this variant has not been reported in the literature. This variant is reported in 0.0066% of alleles in individuals of South Asian descent in gnomAD and in ClinVar is reported as uncertain significance. At this time, the clinical significance of this variant is uncertain due to the absence of conclusive functional and genetic evidence.

Ambry Genetics
Classification: Uncertain significance for Inborn genetic diseases. Last evaluated: 2024-11-18. Review status: criteria provided, single submitter. Criteria: Ambry Variant Classification Scheme 2023. Collection method: clinical testing. Allele origin: germline.
Comment: The p.R405Q variant (also known as c.1214G>A), located in coding exon 7 of the FANCM gene, results from a G to A substitution at nucleotide position 1214. The arginine at codon 405 is replaced by glutamine, an amino acid with highly similar properties. This amino acid position is conserved. In addition, this alteration is predicted to be tolerated by in silico analysis. Based on the available evidence, the clinical significance of this variant remains unclear.

GeneDx
Classification: Uncertain significance. Last evaluated: 2024-01-19. Review status: criteria provided, single submitter. Criteria: GeneDx Variant Classification Process June 2021. Collection method: clinical testing. Allele origin: germline. Affected: yes.
Comment: Not observed at significant frequency in large population cohorts (gnomAD); In silico analysis supports that this missense variant has a deleterious effect on protein structure/function; Has not been previously published as pathogenic or benign to our knowledge

NM_020937.4(FANCM):c.1214G>A (p.Arg405Gln)

Gene: FANCM (FA complementation group M; plus strand). Cytogenetic location: 14q21.2.
Variant type: single nucleotide variant.
Coding change: c.1214G>A on transcript NM_020937.4 (MANE Select); coding-DNA position 1214, G replaced by A.
Protein change: p.Arg405Gln; replaces arginine 405 with glutamine.
Molecular consequence: missense variant.
Genome position (GRCh38, 1-based): chr14:45,154,727, G>A. VCF-style: chr14-45154727-G-A. GRCh37 (hg19) VCF-style: chr14-45623930-G-A.
Other names: c.1214G>A (NM_020937.3); c.1136G>A, p.Arg379Gln (NM_001308133.2); c.1214G>A, p.Arg405Gln (NM_001308134.2); short protein forms R405Q, R379Q.
Identifiers: ClinVar variation 1979542 (VCV001979542.7), dbSNP rs748757749, ClinGen allele CA7168971.